The following is an entry in ClinVar:

ClinVar aggregate classification (germline): Uncertain significance. Review status: criteria provided, single submitter (1 of 4 stars). 2 submissions from 2 submitters: Uncertain significance (1). 1 of the submissions does not count toward it. Last evaluated 2025-11-13.

Conditions:
SEMA3G-related disorder. Also called: SEMA3G-related condition.

gnomAD v4.1: 31 of 1,614,018 alleles (0.0019%); highest among the groups gnomAD compares: Middle Eastern, 0.082%; no homozygotes.

Submissions (2):

Ambry Genetics
Classification: Uncertain significance. Last evaluated: 2025-11-13. Review status: criteria provided, single submitter. Criteria: Ambry Variant Classification Scheme 2023. Collection method: clinical testing. Allele origin: germline.

PreventionGenetics, part of Exact Sciences
Classification: Uncertain significance for SEMA3G-related condition. Last evaluated: 2024-09-06. Review status: no assertion criteria provided. Collection method: clinical testing. Allele origin: germline. Not counted in ClinVar's aggregate classification.
Comment: The SEMA3G c.2185G>A variant is predicted to result in the amino acid substitution p.Val729Met. To our knowledge, this variant has not been reported in the literature. This variant is reported in 0.0098% of alleles in individuals of South Asian descent in gnomAD. At this time, the clinical significance of this variant is uncertain due to the absence of conclusive functional and genetic evidence.

NM_020163.3(SEMA3G):c.2185G>A (p.Val729Met)

Gene: SEMA3G (semaphorin 3G; minus strand). Cytogenetic location: 3p21.1.
Variant type: single nucleotide variant.
Coding change: c.2185G>A on transcript NM_020163.3 (MANE Select); coding-DNA position 2185, G replaced by A.
Protein change: p.Val729Met; replaces valine 729 with methionine.
Molecular consequence: missense variant.
Genome position (GRCh38, 1-based): chr3:52,435,767, C>T on the plus strand (G>A on the coding strand, the complement: SEMA3G is on the minus strand). VCF-style: chr3-52435767-C-T. GRCh37 (hg19) VCF-style: chr3-52469783-C-T.
Other names: c.2185G>A (NM_020163.1); short protein forms V729M.
Identifiers: ClinVar variation 3352168 (VCV003352168.2).
Genomic context (GRCh38, chr3:52,435,767, plus strand): 5'-GCTTGCCCCGGCTCCGGCTCCGGAAGCAGCCTGAGCATTCCGTGGTGCCCCTGCACCACA[C>T]GCGCTCACAGTACTCATCCACCCGGGGCAGGTTGGCGAAGCCAATGAGCTGCAGGATGTC-3'
Protein context (NP_064548.1, residues 719-739): LPRVDEYCER[Val729Met]WCRGTTECSG